The following is an entry in ClinVar:

ClinVar aggregate classification (germline): Uncertain significance (1 of 4 stars; one submission).

gnomAD v4.1: 1 of 1,257,566 alleles (0.00008%); highest among the groups gnomAD compares: Non-Finnish European, 0.000099%; no homozygotes.

Submission:

Labcorp Genetics (formerly Invitae), Labcorp
Classification: Uncertain significance. Last evaluated: 2022-06-14. Review status: criteria provided, single submitter. Criteria: Invitae Variant Classification Sherloc (09022015). Collection method: clinical testing. Allele origin: germline.
Comment: This sequence change replaces arginine, which is basic and polar, with leucine, which is neutral and non-polar, at codon 31 of the CTDP1 protein (p.Arg31Leu). This variant is not present in population databases (gnomAD no frequency). This variant has not been reported in the literature in individuals affected with CTDP1-related conditions. Algorithms developed to predict the effect of missense changes on protein structure and function are either unavailable or do not agree on the potential impact of this missense change (SIFT: "Tolerated"; PolyPhen-2: "Probably Damaging"; Align-GVGD: "Class C0"). In summary, the available evidence is currently insufficient to determine the role of this variant in disease. Therefore, it has been classified as a Variant of Uncertain Significance.

NM_004715.5(CTDP1):c.92G>T (p.Arg31Leu)

Gene: CTDP1 (CTD phosphatase subunit 1; plus strand). Cytogenetic location: 18q23.
Variant type: single nucleotide variant.
Coding change: c.92G>T on transcript NM_004715.5 (MANE Select); coding-DNA position 92, G replaced by T.
Protein change: p.Arg31Leu; replaces arginine 31 with leucine.
Molecular consequence: missense variant.
Genome position (GRCh38, 1-based): chr18:79,680,039, G>T. VCF-style: chr18-79680039-G-T. GRCh37 (hg19) VCF-style: chr18-77440039-G-T.
Other names: c.92G>T, p.Arg31Leu (NM_001318511.2, NM_048368.4); short protein forms R31L.
Identifiers: ClinVar variation 2006590 (VCV002006590.4), dbSNP rs2085324183, ClinGen allele CA402824939.
Genomic context (GRCh38, chr18:79,680,039, plus strand): 5'-CCGAGGGCGCCCCGACGGCGGCTGTGGCCGAGGTGCGCTGCCCGGGGCCCGCGCCGCTGC[G>T]CCTGCTGGAGTGGAGGGTGGCGGCGGGCGCGGCCGTGCGCATCGGCTCGGTGCTGGCCGT-3'
Protein context (NP_004706.3, residues 21-41): EVRCPGPAPL[Arg31Leu]LLEWRVAAGA